The following is an entry in ClinVar:

ClinVar aggregate classification (germline): Uncertain significance (1 of 4 stars; one submission).

Conditions:
Primary ciliary dyskinesia. Also called: Ciliary dyskinesia. Identifiers: Orphanet 244, MedGen C0008780, MONDO:0016575, HP:0012265.

Allele frequency attached by ClinVar (database versions not stated): 1000 Genomes Project 30x 0.00016; gnomAD exomes 0.00001; ExAC 0.00002; TOPMed 0.00008; gnomAD 0.00011.
gnomAD v4.1: 23 of 1,612,544 alleles (0.0014%); highest among the groups gnomAD compares: African/African-American, 0.028%; no homozygotes.

Submission:

Labcorp Genetics (formerly Invitae), Labcorp
Classification: Uncertain significance for Primary ciliary dyskinesia. Last evaluated: 2025-08-13. Review status: criteria provided, single submitter. Criteria: Invitae Variant Classification Sherloc (09022015). Collection method: clinical testing. Allele origin: germline.
Comment: This sequence change replaces threonine, which is neutral and polar, with alanine, which is neutral and non-polar, at codon 2048 of the DNAH8 protein (p.Thr2048Ala). This variant is present in population databases (rs772890319, gnomAD 0.02%). This variant has not been reported in the literature in individuals affected with DNAH8-related conditions. ClinVar contains an entry for this variant (Variation ID: 665599). Invitae Evidence Modeling of protein sequence and biophysical properties (such as structural, functional, and spatial information, amino acid conservation, physicochemical variation, residue mobility, and thermodynamic stability) indicates that this missense variant is not expected to disrupt DNAH8 protein function with a negative predictive value of 80%. In summary, the available evidence is currently insufficient to determine the role of this variant in disease. Therefore, it has been classified as a Variant of Uncertain Significance.

NM_001206927.2(DNAH8):c.6142A>G (p.Thr2048Ala)

Gene: DNAH8 (dynein axonemal heavy chain 8; plus strand). Cytogenetic location: 6p21.2.
Variant type: single nucleotide variant.
Coding change: c.6142A>G on transcript NM_001206927.2 (MANE Select); coding-DNA position 6142, A replaced by G.
Protein change: p.Thr2048Ala; replaces threonine 2048 with alanine.
Molecular consequence: missense variant.
Genome position (GRCh38, 1-based): chr6:38,862,290, A>G. VCF-style: chr6-38862290-A-G. GRCh37 (hg19) VCF-style: chr6-38830066-A-G.
Other names: c.5491A>G, p.Thr1831Ala (NM_001371.4); short protein forms T1831A, T2048A.
Identifiers: ClinVar variation 665599 (VCV000665599.8), dbSNP rs772890319, ClinGen allele CA3789594.
Genomic context (GRCh38, chr6:38,862,290, plus strand): 5'-GTAACGTGTCATCCCATACTCACAATGCTTTATTGGATGAACATTTGCAGATGCTATATC[A>G]CGTTAGCTCAGGCCTTGGGCATGAACATGGGAGGTGCTCCCGCAGGACCTGCTGGCACTG-3'
Protein context (NP_001193856.1, residues 2038-2058): ITPLTDRCYI[Thr2048Ala]LAQALGMNMG